The following is an entry in ClinVar:

NM_139318.5(KCNH5):c.820G>A (p.Gly274Ser)

Gene: KCNH5 (potassium voltage-gated channel subfamily H member 5; minus strand). Cytogenetic location: 14q23.2.
Variant type: single nucleotide variant.
Coding change: c.820G>A on transcript NM_139318.5 (MANE Select); coding-DNA position 820, G replaced by A.
Protein change: p.Gly274Ser; replaces glycine 274 with serine.
Molecular consequence: missense variant.
Genome position (GRCh38, 1-based): chr14:62,980,994, C>T on the plus strand (G>A on the coding strand, the complement: KCNH5 is on the minus strand). VCF-style: chr14-62980994-C-T. GRCh37 (hg19) VCF-style: chr14-63447712-C-T.
Other names: c.820G>A, p.Gly274Ser (NM_172375.3); short protein forms G274S.
Identifiers: ClinVar variation 646789 (VCV000646789.10), dbSNP rs182494425, ClinGen allele CA7217586.

ClinVar aggregate classification (germline): Uncertain significance (1 of 4 stars; one submission).

Conditions:
Early-infantile DEE. Also called: Early infantile epileptic encephalopathy with suppression bursts; Early infantile epileptic encephalopathy; Ohtahara syndrome. Identifiers: Orphanet 1934, MedGen C0393706, MONDO:0800491.

Allele frequency attached by ClinVar (database versions not stated): ExAC 0.00001; gnomAD 0.00001; TOPMed 0.00001; 1000 Genomes Project 30x 0.00016; 1000 Genomes Project 0.00020.
gnomAD v4.1: 35 of 1,614,088 alleles (0.0022%); highest among the groups gnomAD compares: Non-Finnish European, 0.0029%; no homozygotes.

Submission:

Labcorp Genetics (formerly Invitae), Labcorp
Classification: Uncertain significance for Early-infantile DEE. Last evaluated: 2024-11-11. Review status: criteria provided, single submitter. Criteria: Invitae Variant Classification Sherloc (09022015). Collection method: clinical testing. Allele origin: germline.
Comment: This sequence change replaces glycine, which is neutral and non-polar, with serine, which is neutral and polar, at codon 274 of the KCNH5 protein (p.Gly274Ser). This variant is present in population databases (rs182494425, gnomAD 0.003%). This variant has not been reported in the literature in individuals affected with KCNH5-related conditions. ClinVar contains an entry for this variant (Variation ID: 646789). Invitae Evidence Modeling of protein sequence and biophysical properties (such as structural, functional, and spatial information, amino acid conservation, physicochemical variation, residue mobility, and thermodynamic stability) indicates that this missense variant is not expected to disrupt KCNH5 protein function with a negative predictive value of 80%. In summary, the available evidence is currently insufficient to determine the role of this variant in disease. Therefore, it has been classified as a Variant of Uncertain Significance.